The following is an entry in ClinVar:

ClinVar aggregate classification (germline): Uncertain significance (1 of 4 stars; one submission).

Submission:

Labcorp Genetics (formerly Invitae), Labcorp
Classification: Uncertain significance. Last evaluated: 2022-10-05. Review status: criteria provided, single submitter. Criteria: Invitae Variant Classification Sherloc (09022015). Collection method: clinical testing. Allele origin: germline.
Comment: This variant is not present in population databases (gnomAD no frequency). This sequence change replaces serine, which is neutral and polar, with glycine, which is neutral and non-polar, at codon 277 of the FOXI3 protein (p.Ser277Gly). This variant has not been reported in the literature in individuals affected with FOXI3-related conditions. In summary, the available evidence is currently insufficient to determine the role of this variant in disease. Therefore, it has been classified as a Variant of Uncertain Significance. Experimental studies and prediction algorithms are not available or were not evaluated, and the functional significance of this variant is currently unknown.

NM_001135649.3(FOXI3):c.829A>G (p.Ser277Gly)

Gene: FOXI3 (forkhead box I3; minus strand). Cytogenetic location: 2p11.2.
Variant type: single nucleotide variant.
Coding change: c.829A>G on transcript NM_001135649.3 (MANE Select); coding-DNA position 829, A replaced by G.
Protein change: p.Ser277Gly; replaces serine 277 with glycine.
Molecular consequence: missense variant.
Genome position (GRCh38, 1-based): chr2:88,448,641, T>C on the plus strand (A>G on the coding strand, the complement: FOXI3 is on the minus strand). VCF-style: chr2-88448641-T-C. GRCh37 (hg19) VCF-style: chr2-88748160-T-C.
Other names: short protein forms S277G.
Identifiers: ClinVar variation 2016227 (VCV002016227.4), dbSNP rs2528910117, ClinGen allele CA347765187.